The following is an entry in ClinVar:

ClinVar aggregate classification (germline): Pathogenic (1 of 4 stars; one submission).

Submission:

Labcorp Genetics (formerly Invitae), Labcorp
Classification: Pathogenic. Last evaluated: 2022-07-03. Review status: criteria provided, single submitter. Criteria: Invitae Variant Classification Sherloc (09022015). Collection method: clinical testing. Allele origin: germline.
Comment: This variant is not present in population databases (gnomAD no frequency). For these reasons, this variant has been classified as Pathogenic. This variant has not been reported in the literature in individuals affected with SLC12A6-related conditions. This sequence change creates a premature translational stop signal (p.Val88Hisfs*22) in the SLC12A6 gene. It is expected to result in an absent or disrupted protein product. Loss-of-function variants in SLC12A6 are known to be pathogenic (PMID: 12368912, 16606917).

Literature cited by the submitters: PubMed 12368912; PubMed 16606917.

NM_001365088.1(SLC12A6):c.262_263del (p.Val88fs)

Gene: SLC12A6 (solute carrier family 12 member 6; minus strand). Cytogenetic location: 15q14.
Variant type: Deletion.
Coding change: c.262_263del on transcript NM_001365088.1 (MANE Select); coding-DNA positions 262 to 263, 2 bases deleted (GT; older notation c.262_263delGT).
Protein change: p.Val88fs; shifts the reading frame from valine 88.
Molecular consequence: frameshift variant.
Genome position (GRCh38, 1-based): chr15:34,336,418-34,336,419, AC deleted on the plus strand (GT on the coding strand, the reverse complement: SLC12A6 is on the minus strand); deleting any 2 consecutive bases within chr15:34,336,418-34,336,420 gives the same sequence; the c. name uses the placement nearest the transcript's 3' end. VCF-style (leftmost placement, unchanged base first): chr15-34336417-GAC-G. GRCh37 (hg19) VCF-style: chr15-34628618-GAC-G.
Other names: c.85_86del, p.Val29fs (NM_001042494.2, NM_001042495.2); c.235_236del, p.Val79fs (NM_001042496.2); c.262_263del, p.Val88fs (NM_001042497.2, NM_133647.2); short protein forms V29fs, V79fs, V88fs.
Identifiers: ClinVar variation 2010893 (VCV002010893.4), dbSNP rs2510085252, ClinGen allele CA2580089249.